The following is an entry in ClinVar:

NM_003073.5(SMARCB1):c.782G>A (p.Arg261His)

Gene: SMARCB1 (SWI/SNF related BAF chromatin remodeling complex subunit B1; plus strand). Cytogenetic location: 22q11.23.
Variant type: single nucleotide variant.
Coding change: c.782G>A on transcript NM_003073.5 (MANE Select); coding-DNA position 782, G replaced by A.
Protein change: p.Arg261His; replaces arginine 261 with histidine.
Molecular consequence: missense variant.
Genome position (GRCh38, 1-based): chr22:23,816,923, G>A. VCF-style: chr22-23816923-G-A. GRCh37 (hg19) VCF-style: chr22-24159110-G-A.
Other names: c.755G>A, p.Arg252His (NM_001007468.3); c.809G>A, p.Arg270His (NM_001317946.2); c.836G>A, p.Arg279His (NM_001362877.2); short protein forms R252H, R261H, R270H, R279H.
Identifiers: ClinVar variation 1061155 (VCV001061155.11), dbSNP rs779587990, ClinGen allele CA10146044.
Genomic context (GRCh38, chr22:23,816,923, plus strand): 5'-TCAGACAGCAGATCGAGTCCTACCCCACGGACAGCATCCTGGAGGACCAGTCAGACCAGC[G>A]CGTCATCATCAAGGTAGGTGACTTCTCACCCAGCACTGGAGCCTTCCTGGCCCTCAGGGT-3'
Protein context (NP_003064.2, residues 251-271): DSILEDQSDQ[Arg261His]VIIKLNIHVG

ClinVar aggregate classification (germline): Uncertain significance. Review status: criteria provided, multiple submitters, no conflicts (2 of 4 stars). 3 submissions from 3 submitters: Uncertain significance (3). Last evaluated 2026-01-19.

Conditions:
Hereditary cancer-predisposing syndrome. Also called: Hereditary Cancer Syndrome; Tumor predisposition; Hereditary neoplastic syndrome; Neoplastic Syndromes, Hereditary. Identifiers: Orphanet 140162, MedGen C0027672, MeSH D009386, MONDO:0015356.

Allele frequency attached by ClinVar (database versions not stated): gnomAD exomes below 0.00001; TOPMed below 0.00001; ExAC 0.00001.
gnomAD v4.1: 6 of 1,613,922 alleles (0.00037%); highest among the groups gnomAD compares: Non-Finnish European, 0.00042%; no homozygotes.

Submissions (3):

Labcorp Genetics (formerly Invitae), Labcorp
Classification: Uncertain significance. Last evaluated: 2026-01-19. Review status: criteria provided, single submitter. Criteria: Invitae Variant Classification Sherloc (09022015). Collection method: clinical testing. Allele origin: germline.
Comment: This sequence change replaces arginine, which is basic and polar, with histidine, which is basic and polar, at codon 261 of the SMARCB1 protein (p.Arg261His). This variant is present in population databases (rs779587990, gnomAD 0.0009%). This variant has not been reported in the literature in individuals affected with SMARCB1-related conditions. ClinVar contains an entry for this variant (Variation ID: 1061155). Invitae Evidence Modeling of protein sequence and biophysical properties (such as structural, functional, and spatial information, amino acid conservation, physicochemical variation, residue mobility, and thermodynamic stability) indicates that this missense variant is expected to disrupt SMARCB1 protein function with a positive predictive value of 80%. In summary, the available evidence is currently insufficient to determine the role of this variant in disease. Therefore, it has been classified as a Variant of Uncertain Significance.

Blueprint Genetics
Classification: Uncertain significance. Last evaluated: 2024-10-01. Review status: criteria provided, single submitter. Criteria: ACMG Guidelines, 2015. Collection method: clinical testing. Allele origin: germline.

Ambry Genetics
Classification: Uncertain significance for Hereditary cancer-predisposing syndrome. Last evaluated: 2024-06-07. Review status: criteria provided, single submitter. Criteria: Ambry Variant Classification Scheme 2023. Collection method: clinical testing. Allele origin: germline.
Comment: The p.R261H variant (also known as c.782G>A), located in coding exon 6 of the SMARCB1 gene, results from a G to A substitution at nucleotide position 782. The arginine at codon 261 is replaced by histidine, an amino acid with highly similar properties. This amino acid position is highly conserved in available vertebrate species. In addition, this alteration is predicted to be deleterious by in silico analysis. Since supporting evidence is limited at this time, the clinical significance of this alteration remains unclear.